The following is an entry in ClinVar:

ClinVar aggregate classification (germline): Uncertain significance (1 of 4 stars; one submission).

Conditions:
Long QT syndrome (LQTS). Identifiers: MedGen C0023976, MeSH D008133, MONDO:0002442. Disease mechanism: loss of function. Inheritance: Various modes of inheritance.

gnomAD v4.1: 17 of 1,602,876 alleles (0.0011%); highest among the groups gnomAD compares: South Asian, 0.018%; no homozygotes.

Submission:

Labcorp Genetics (formerly Invitae), Labcorp
Classification: Uncertain significance for Long QT syndrome. Last evaluated: 2025-02-04. Review status: criteria provided, single submitter. Criteria: Invitae Variant Classification Sherloc (09022015). Collection method: clinical testing. Allele origin: germline.
Comment: This sequence change replaces methionine, which is neutral and non-polar, with arginine, which is basic and polar, at codon 308 of the KCNJ5 protein (p.Met308Arg). This variant is present in population databases (rs750690159, gnomAD 0.01%). This variant has not been reported in the literature in individuals affected with KCNJ5-related conditions. Invitae Evidence Modeling of protein sequence and biophysical properties (such as structural, functional, and spatial information, amino acid conservation, physicochemical variation, residue mobility, and thermodynamic stability) indicates that this missense variant is expected to disrupt KCNJ5 protein function with a positive predictive value of 80%. In summary, the available evidence is currently insufficient to determine the role of this variant in disease. Therefore, it has been classified as a Variant of Uncertain Significance.

NM_000890.5(KCNJ5):c.923T>G (p.Met308Arg)

Gene: KCNJ5 (potassium inwardly rectifying channel subfamily J member 5; plus strand). Cytogenetic location: 11q24.3.
Variant type: single nucleotide variant.
Coding change: c.923T>G on transcript NM_000890.5 (MANE Select); coding-DNA position 923, T replaced by G.
Protein change: p.Met308Arg; replaces methionine 308 with arginine.
Molecular consequence: missense variant.
Genome position (GRCh38, 1-based): chr11:128,912,196, T>G. VCF-style: chr11-128912196-T-G. GRCh37 (hg19) VCF-style: chr11-128782091-T-G.
Other names: c.923T>G, p.Met308Arg (NM_001354169.2); short protein forms M308R.
Identifiers: ClinVar variation 4742035 (VCV004742035.1).